The following is an entry in ClinVar:

ClinVar aggregate classification (germline): Conflicting classifications of pathogenicity. Review status: criteria provided, conflicting classifications (1 of 4 stars). 2 submissions from 2 submitters: Uncertain significance (1); Likely benign (1). Last evaluated 2024-05-28.

Conditions:
Hereditary nonpolyposis colorectal neoplasms. Identifiers: MedGen C0009405, MeSH D003123.
Hereditary cancer-predisposing syndrome. Also called: Tumor predisposition; Neoplastic Syndromes, Hereditary; Hereditary Cancer Syndrome; Hereditary neoplastic syndrome. Identifiers: Orphanet 140162, MedGen C0027672, MeSH D009386, MONDO:0015356.

Allele frequency attached by ClinVar (database versions not stated): gnomAD exomes below 0.00001.

Submissions (2):

Ambry Genetics
Classification: Uncertain significance for Hereditary cancer-predisposing syndrome. Last evaluated: 2024-05-28. Review status: criteria provided, single submitter. Criteria: Ambry Variant Classification Scheme 2023. Collection method: clinical testing. Allele origin: germline.
Comment: The c.1145-5C>A intronic variant results from a C to A substitution 5 nucleotides upstream from coding exon 11 in the PMS2 gene. This nucleotide position is not well conserved in available vertebrate species. In silico splice site analysis for this alteration is inconclusive. Based on the available evidence, the clinical significance of this variant remains unclear.

Labcorp Genetics (formerly Invitae), Labcorp
Classification: Likely benign for Hereditary nonpolyposis colorectal neoplasms. Last evaluated: 2020-11-11. Review status: criteria provided, single submitter. Criteria: Invitae Variant Classification Sherloc (09022015). Collection method: clinical testing. Allele origin: germline.

NM_000535.7(PMS2):c.1145-5C>A

Gene: PMS2 (PMS1 homolog 2, mismatch repair system component; minus strand). Cytogenetic location: 7p22.1.
Variant type: single nucleotide variant.
Coding change: c.1145-5C>A on transcript NM_000535.7 (MANE Select); 5 bases into the intron before coding-DNA position 1145, C replaced by A.
Molecular consequence: intron variant.
Genome position (GRCh38, 1-based): chr7:5,987,625, G>T on the plus strand (C>A on the coding strand, the complement: PMS2 is on the minus strand). VCF-style: chr7-5987625-G-T. GRCh37 (hg19) VCF-style: chr7-6027256-G-T.
Other names: c.1145-5C>A (NM_000535.5, NM_001322014.2); c.827-5C>A (NM_001322008.2, NM_001322007.2); c.584-5C>A (NM_001322010.2); c.740-5C>A (NM_001322004.2, NM_001322003.2, NM_001322009.2 and 1 more transcripts); c.572-5C>A (NM_001322013.2); c.212-5C>A (NM_001322012.2, NM_001322011.2); c.836-5C>A (NM_001322015.2); c.989-5C>A (NM_001322006.2).
Identifiers: ClinVar variation 1650140 (VCV001650140.9), dbSNP rs267608157, ClinGen allele CA2573141970.